The following is an entry in ClinVar:

NM_002049.4(GATA1):c.983_994del (p.Glu328_Ala331del)

Gene: GATA1 (GATA binding protein 1; plus strand). Cytogenetic location: Xp11.23.
Variant type: Deletion.
Coding change: c.983_994del on transcript NM_002049.4 (MANE Select); coding-DNA positions 983 to 994, 12 bases deleted (AAGGACCAGCTG).
Protein change: p.Glu328_Ala331del.
Molecular consequence: inframe deletion.
Genome position (GRCh38, 1-based): chrX:48,793,905-48,793,916, AAGGACCAGCTG deleted; deleting any 12 consecutive bases within chrX:48,793,904-48,793,916 gives the same sequence; the c. name uses the placement nearest the transcript's 3' end. VCF-style (leftmost placement, unchanged base first): chrX-48793903-CGAAGGACCAGCT-C. GRCh37 (hg19) VCF-style: chrX-48652310-CGAAGGACCAGCT-C.
Identifiers: ClinVar variation 5007567 (VCV005007567.2).

ClinVar aggregate classification (germline): Uncertain significance (1 of 4 stars; one submission).

Conditions:
Hemolytic anemia due to erythrocyte adenosine deaminase overproduction (CNSHA9). Also called: ANEMIA, CONGENITAL, NONSPHEROCYTIC HEMOLYTIC, 9; Adenosine deaminase, elevated, hemolytic anemia due to; ERYTHROCYTE ADA, ELEVATED, HEMOLYTIC ANEMIA DUE TO. Identifiers: Orphanet 99138, MedGen C1863235, MONDO:0020458, OMIM 301083.
X-linked dyserythropoetic anemia with abnormal platelets and neutropenia. Also called: ANEMIA, X-LINKED, WITH OR WITHOUT NEUTROPENIA AND/OR PLATELET ABNORMALITIES. Identifiers: Orphanet 363727, MedGen C3550856, MONDO:0010444, OMIM 300835.
Beta-thalassemia-X-linked thrombocytopenia syndrome. Also called: THROMBOCYTOPENIA WITH BETA-THALASSEMIA, X-LINKED. Identifiers: Orphanet 231393, MedGen C1839161, MONDO:0010745, OMIM 314050.
Transient myeloproliferative syndrome. Also called: LEUKEMIA, TRANSIENT; Transient myeloproliferative syndrome (disease); TRANSIENT ABNORMAL MYELOPOIESIS. Identifiers: Orphanet 420611, MedGen C1834582, MONDO:0008040, OMIM 159595, HP:0005534.
Thrombocytopenia, X-linked, with or without dyserythropoietic anemia (XLTDA). Identifiers: Orphanet 67044, MedGen C3550789, MONDO:0010308, OMIM 300367.

Submission:

Juno Genomics, Hangzhou Juno Genomics, Inc
Classification: Uncertain significance for X-linked dyserythropoetic anemia with abnormal platelets and neutropenia; Hemolytic anemia due to erythrocyte adenosine deaminase overproduction; Beta-thalassemia-X-linked thrombocytopenia syndrome; Thrombocytopenia, X-linked, with or without dyserythropoietic anemia; Transient myeloproliferative syndrome. Review status: criteria provided, single submitter. Criteria: ACMG Guidelines, 2015. Collection method: clinical testing. Allele origin: germline.
Comment: Absent from controls (or at extremely low frequency if recessive) in Genome Aggregation Database.;Protein length changes due to in-frame deletions/insertions in a non-repeat region or stop-loss variants.